The following is an entry in ClinVar:

NM_004082.5(DCTN1):c.3137A>G (p.Glu1046Gly)

Gene: DCTN1 (dynactin subunit 1; minus strand). Cytogenetic location: 2p13.1.
Variant type: single nucleotide variant.
Coding change: c.3137A>G on transcript NM_004082.5 (MANE Select); coding-DNA position 3137, A replaced by G.
Protein change: p.Glu1046Gly; replaces glutamic acid 1046 with glycine.
Molecular consequence: missense variant. On other transcripts: non-coding transcript variant (1).
Genome position (GRCh38, 1-based): chr2:74,365,134, T>C on the plus strand (A>G on the coding strand, the complement: DCTN1 is on the minus strand). VCF-style: chr2-74365134-T-C. GRCh37 (hg19) VCF-style: chr2-74592261-T-C.
Other names: c.3077A>G, p.Glu1026Gly (NM_001135040.3); c.2735A>G, p.Glu912Gly (NM_001135041.3, NM_023019.4); c.3026A>G, p.Glu1009Gly (NM_001190836.2); c.3116A>G, p.Glu1039Gly (NM_001190837.2); c.3086A>G, p.Glu1029Gly (NM_001378991.1); c.3068A>G, p.Glu1023Gly (NM_001378992.1); short protein forms E1046G, E912G, E1009G, E1039G, E1026G, E1023G, E1029G.
Identifiers: ClinVar variation 468271 (VCV000468271.13), dbSNP rs145857843, ClinGen allele CA1721618.
Genomic context (GRCh38, chr2:74,365,134, plus strand): 5'-CCACCAGCAATGCCAGAGACCAGAGTAGCAATGCCTGAAGGAGGAGGGCCCCGGAGTCCC[T>C]CAATCGTGCGTTTGGACTGGCTGTTCAGACGCTGCTTTAGTTCTGCCTTCTCTGCCTCCA-3'
Protein context (NP_004073.2, residues 1036-1056): RLNSQSKRTI[Glu1046Gly]GLRGPPPSGI

ClinVar aggregate classification (germline): Uncertain significance. Review status: criteria provided, multiple submitters, no conflicts (2 of 4 stars). 4 submissions from 4 submitters: Uncertain significance (2). 2 of the submissions do not count toward it. Last evaluated 2026-05-18.

Conditions:
DCTN1-related disorder. Also called: DCTN1-related condition.
Neuronopathy, distal hereditary motor, type 7B. Also called: HMN VIIB; LOWER MOTOR NEURON DISEASE, DYNACTIN TYPE; NEURONOPATHY, DISTAL HEREDITARY MOTOR, AUTOSOMAL DOMINANT 14; NEURONOPATHY, DISTAL HEREDITARY MOTOR, HARDING TYPE VIIB; NEUROPATHY, DISTAL HEREDITARY MOTOR, HARDING TYPE VIIB; NEUROPATHY, DISTAL HEREDITARY MOTOR, WITH VOCAL CORD PARALYSIS, HARDING TYPE VIIB. Identifiers: Orphanet 139589, MedGen C1843315, MONDO:0011879, OMIM 607641.
Perry syndrome. Also called: PARKINSONISM WITH ALVEOLAR HYPOVENTILATION AND MENTAL DEPRESSION. Identifiers: Orphanet 178509, MedGen C1868594, MONDO:0008201, OMIM 168605.
Amyotrophic lateral sclerosis type 1 (ALS1). Also called: AMYOTROPHIC LATERAL SCLEROSIS 1, FAMILIAL. Identifiers: Orphanet 803, MedGen C1862939, MONDO:0007103, OMIM 105400.

Allele frequency attached by ClinVar (database versions not stated): gnomAD 0.00005; ExAC 0.00006; TOPMed 0.00008; gnomAD exomes 0.00009 and 0.00014; ESP Exome Variant Server 0.00015.
gnomAD v4.1: 226 of 1,614,050 alleles (0.014%); highest among the groups gnomAD compares: Non-Finnish European, 0.017%; no homozygotes.

Submissions (4):

PreventionGenetics, part of Exact Sciences
Classification: Uncertain significance for DCTN1-related condition. Last evaluated: 2026-05-18. Review status: criteria provided, single submitter. Criteria: ACMG Guidelines, 2015. Collection method: clinical testing. Allele origin: germline.
Comment: The DCTN1 c.3137A>G variant is predicted to result in the amino acid substitution p.Glu1046Gly. To our knowledge, this variant has not been reported in the literature. This variant is reported in 0.014% of alleles in individuals of Latino descent in gnomAD. Although we suspect that this variant may be benign, at this time, the clinical significance of this variant is uncertain due to the absence of conclusive functional and genetic evidence.

Labcorp Genetics (formerly Invitae), Labcorp
Classification: Uncertain significance for Amyotrophic lateral sclerosis type 1; Neuronopathy, distal hereditary motor, type 7B; Perry syndrome. Last evaluated: 2025-09-19. Review status: criteria provided, single submitter. Criteria: Invitae Variant Classification Sherloc (09022015). Collection method: clinical testing. Allele origin: germline.
Comment: This sequence change replaces glutamic acid, which is acidic and polar, with glycine, which is neutral and non-polar, at codon 1046 of the DCTN1 protein (p.Glu1046Gly). This variant is present in population databases (rs145857843, gnomAD 0.01%). This variant has not been reported in the literature in individuals affected with DCTN1-related conditions. ClinVar contains an entry for this variant (Variation ID: 468271). Invitae Evidence Modeling of protein sequence and biophysical properties (such as structural, functional, and spatial information, amino acid conservation, physicochemical variation, residue mobility, and thermodynamic stability) indicates that this missense variant is not expected to disrupt DCTN1 protein function with a negative predictive value of 95%. In summary, the available evidence is currently insufficient to determine the role of this variant in disease. Therefore, it has been classified as a Variant of Uncertain Significance.

Clinical Genetics DNA and cytogenetics Diagnostics Lab, Erasmus MC, Erasmus Medical Center
Classification: Uncertain significance. Review status: no assertion criteria provided. Collection method: clinical testing. Allele origin: germline. Affected: yes. Study: VKGL Data-share Consensus. Not counted in ClinVar's aggregate classification.

Clinical Genetics, Academic Medical Center
Classification: Uncertain significance. Review status: no assertion criteria provided. Collection method: clinical testing. Allele origin: germline. Affected: yes. Study: VKGL Data-share Consensus. Not counted in ClinVar's aggregate classification.